The following is an entry in ClinVar:

NM_001365088.1(SLC12A6):c.3262G>C (p.Val1088Leu)

Gene: SLC12A6 (solute carrier family 12 member 6; minus strand). Cytogenetic location: 15q14.
Variant type: single nucleotide variant.
Coding change: c.3262G>C on transcript NM_001365088.1 (MANE Select); coding-DNA position 3262, G replaced by C.
Protein change: p.Val1088Leu; replaces valine 1088 with leucine.
Molecular consequence: missense variant.
Genome position (GRCh38, 1-based): chr15:34,235,280, C>G on the plus strand (G>C on the coding strand, the complement: SLC12A6 is on the minus strand). VCF-style: chr15-34235280-C-G. GRCh37 (hg19) VCF-style: chr15-34527481-C-G.
Other names: c.3085G>C, p.Val1029Leu (NM_001042494.2, NM_001042495.2); c.3235G>C, p.Val1079Leu (NM_001042496.2); c.3217G>C, p.Val1073Leu (NM_001042497.2); c.3109G>C, p.Val1037Leu (NM_005135.2); c.3262G>C, p.Val1088Leu (NM_133647.2); short protein forms V1029L, V1037L, V1088L, V1079L, V1073L.
Identifiers: ClinVar variation 1729547 (VCV001729547.5), dbSNP rs1301415307, ClinGen allele CA391617339.
Genomic context (GRCh38, chr15:34,235,280, plus strand): 5'-TATTCAATAAAACCAGCTTTGCTTCATGGGACTTGTTAACTATAACCTCGTTGAGTTTCA[C>G]TGCTGTATGCATCCGCCTCACATTGGACTGGTCCCTGAGTGGGGAAGAAATAAAGGTTGT-3'
Protein context (NP_001352017.1, residues 1078-1098): QSNVRRMHTA[Val1088Leu]KLNEVIVNKS

ClinVar aggregate classification (germline): Uncertain significance. Review status: criteria provided, multiple submitters, no conflicts (2 of 4 stars). 2 submissions from 2 submitters: Uncertain significance (2). Last evaluated 2023-03-07.

Conditions:
Inborn genetic diseases. Identifiers: MedGen C0950123, MeSH D030342.

Allele frequency attached by ClinVar (database versions not stated): TOPMed below 0.00001; gnomAD 0.00001.
gnomAD v4.1: 1 of 1,613,054 alleles (0.000062%); highest among the groups gnomAD compares: Non-Finnish European, 0.000085%; no homozygotes.

Submissions (2):

Labcorp Genetics (formerly Invitae), Labcorp
Classification: Uncertain significance. Last evaluated: 2023-03-07. Review status: criteria provided, single submitter. Criteria: Invitae Variant Classification Sherloc (09022015). Collection method: clinical testing. Allele origin: germline.
Comment: In summary, the available evidence is currently insufficient to determine the role of this variant in disease. Therefore, it has been classified as a Variant of Uncertain Significance. Advanced modeling of protein sequence and biophysical properties (such as structural, functional, and spatial information, amino acid conservation, physicochemical variation, residue mobility, and thermodynamic stability) performed at Invitae indicates that this missense variant is not expected to disrupt SLC12A6 protein function. ClinVar contains an entry for this variant (Variation ID: 1729547). This variant has not been reported in the literature in individuals affected with SLC12A6-related conditions. This variant is not present in population databases (gnomAD no frequency). This sequence change replaces valine, which is neutral and non-polar, with leucine, which is neutral and non-polar, at codon 1088 of the SLC12A6 protein (p.Val1088Leu).

Ambry Genetics
Classification: Uncertain significance for Inborn genetic diseases. Last evaluated: 2022-07-03. Review status: criteria provided, single submitter. Criteria: Ambry Variant Classification Scheme 2023. Collection method: clinical testing. Allele origin: germline.
Comment: The p.V1088L variant (also known as c.3262G>C), located in coding exon 24 of the SLC12A6 gene, results from a G to C substitution at nucleotide position 3262. The valine at codon 1088 is replaced by leucine, an amino acid with highly similar properties. This amino acid position is conserved. In addition, the in silico prediction for this alteration is inconclusive. Since supporting evidence is limited at this time, the clinical significance of this alteration remains unclear.